The following is an entry in ClinVar:

ClinVar aggregate classification (germline): Likely pathogenic (1 of 4 stars; one submission).

Conditions:
Intellectual developmental disorder with autism and macrocephaly. Also called: CHD8-Related Neurodevelopmental Disorder with Overgrowth; Autism, susceptibility to, 18. Identifiers: Orphanet 642675, MedGen C3554373, MONDO:0014017, OMIM 615032.

Submission:

Clinical Genetics Laboratory, Region Ostergotland
Classification: Likely pathogenic for Intellectual developmental disorder with autism and macrocephaly. Last evaluated: 2025-03-28. Review status: criteria provided, single submitter. Criteria: ACMG Guidelines, 2015. Collection method: clinical testing. Allele origin: germline. Affected: yes.
Comment: The NM_001170629.2:c.600del frameshift variant in the CHD8 gene is prediced to lead to p.(Thr201LeufsTer6). The variant is not found in population database (gnomAD). Based on this information, the following ACMG/AMP criteria were applied in classifying this variant: PM2, PVS1

Literature cited by the submitters: PubMed 36182950; PubMed 28475857.

NM_001170629.2(CHD8):c.600del (p.Thr201fs)

Gene: CHD8 (chromodomain helicase DNA binding protein 8; minus strand). Cytogenetic location: 14q11.2.
Variant type: Deletion.
Coding change: c.600del on transcript NM_001170629.2 (MANE Select); coding-DNA position 600, one base deleted (C; older notation c.600delC).
Protein change: p.Thr201fs; shifts the reading frame from threonine 201.
Molecular consequence: frameshift variant. On other transcripts: intron variant (1).
Genome position (GRCh38, 1-based): chr14:21,431,044, G deleted on the plus strand (C on the coding strand, the reverse complement: CHD8 is on the minus strand). VCF-style (leftmost placement, unchanged base first): chr14-21431043-TG-T. GRCh37 (hg19) VCF-style: chr14-21899202-TG-T.
Other names: c.6+767del (NM_020920.4); short protein forms T201fs.
Identifiers: ClinVar variation 3900661 (VCV003900661.2).